The following is an entry in ClinVar:

NM_014874.4(MFN2):c.1081C>T (p.His361Tyr)

Gene: MFN2 (mitofusin 2; plus strand). Cytogenetic location: 1p36.22.
Variant type: single nucleotide variant.
Coding change: c.1081C>T on transcript NM_014874.4 (MANE Select); coding-DNA position 1081, C replaced by T.
Protein change: p.His361Tyr; replaces histidine 361 with tyrosine.
Molecular consequence: missense variant.
Genome position (GRCh38, 1-based): chr1:12,002,024, C>T. VCF-style: chr1-12002024-C-T. GRCh37 (hg19) VCF-style: chr1-12062081-C-T.
Other names: c.1081C>T, p.His361Tyr (NM_001127660.2); short protein forms H361Y.
Identifiers: ClinVar variation 637315 (VCV000637315.10), dbSNP rs1569854012, ClinGen allele CA338442849.

ClinVar aggregate classification (germline): Pathogenic. Review status: criteria provided, single submitter (1 of 4 stars). 2 submissions from 2 submitters: Pathogenic (1). 1 of the submissions does not count toward it. Last evaluated 2025-01-01.

Conditions:
Charcot-Marie-Tooth disease. Also called: Charcot-Marie-Tooth Neuropathy; Charcot-Marie-Tooth Hereditary Neuropathy. Identifiers: Orphanet 166, MedGen C0007959, MONDO:0015626.
Charcot-Marie-Tooth disease type 2. Also called: Charcot-Marie-Tooth type 2. Identifiers: Orphanet 64746, MedGen C0270914, MONDO:0018993.

Submissions (2):

Labcorp Genetics (formerly Invitae), Labcorp
Classification: Pathogenic for Charcot-Marie-Tooth disease type 2. Last evaluated: 2025-01-01. Review status: criteria provided, single submitter. Criteria: Invitae Variant Classification Sherloc (09022015). Collection method: clinical testing. Allele origin: germline.
Comment: This sequence change replaces histidine, which is basic and polar, with tyrosine, which is neutral and polar, at codon 361 of the MFN2 protein (p.His361Tyr). This variant is not present in population databases (gnomAD no frequency). This missense change has been observed in individual(s) with Charcot-Marie-Tooth disease (PMID: 16437557, 21508331, 26916081). In at least one individual the variant was observed to be de novo. ClinVar contains an entry for this variant (Variation ID: 637315). Invitae Evidence Modeling of protein sequence and biophysical properties (such as structural, functional, and spatial information, amino acid conservation, physicochemical variation, residue mobility, and thermodynamic stability) indicates that this missense variant is expected to disrupt MFN2 protein function with a positive predictive value of 95%. Experimental studies have shown that this missense change affects MFN2 function (PMID: 20335458, 22442078). This variant disrupts the p.His361 amino acid residue in MFN2. Other variant(s) that disrupt this residue have been determined to be pathogenic (internal data). This suggests that this residue is clinically significant, and that variants that disrupt this residue are likely to be disease-causing. For these reasons, this variant has been classified as Pathogenic.

Inherited Neuropathy Consortium
Classification: Uncertain significance for Charcot-Marie-Tooth disease. Review status: no assertion criteria provided. Collection method: literature only. Allele origin: germline. Affected: yes. Not counted in ClinVar's aggregate classification.

Literature cited by the submitters: PubMed 16437557 (cited by Labcorp Genetics (formerly Invitae), Labcorp and Inherited Neuropathy Consortium); PubMed 21508331 (cited by Labcorp Genetics (formerly Invitae), Labcorp); PubMed 26916081 (cited by Labcorp Genetics (formerly Invitae), Labcorp); PubMed 20335458 (cited by Labcorp Genetics (formerly Invitae), Labcorp); PubMed 22442078 (cited by Labcorp Genetics (formerly Invitae), Labcorp).